The following is an entry in ClinVar:

ClinVar aggregate classification (germline): Uncertain significance (1 of 4 stars; one submission).

Submission:

GeneDx
Classification: Uncertain significance. Last evaluated: 2022-10-27. Review status: criteria provided, single submitter. Criteria: GeneDx Variant Classification Process June 2021. Collection method: clinical testing. Allele origin: germline. Affected: yes.
Comment: Not observed at significant frequency in large population cohorts (gnomAD); In silico analysis supports that this missense variant has a deleterious effect on protein structure/function; Has not been previously published as pathogenic or benign to our knowledge

NM_000092.5(COL4A4):c.142G>C (p.Gly48Arg)

Gene: COL4A4 (collagen type IV alpha 4 chain; minus strand). Cytogenetic location: 2q36.3.
Variant type: single nucleotide variant.
Coding change: c.142G>C on transcript NM_000092.5 (MANE Select); coding-DNA position 142, G replaced by C.
Protein change: p.Gly48Arg; replaces glycine 48 with arginine.
Molecular consequence: missense variant.
Genome position (GRCh38, 1-based): chr2:227,140,211, C>G on the plus strand (G>C on the coding strand, the complement: COL4A4 is on the minus strand). VCF-style: chr2-227140211-C-G. GRCh37 (hg19) VCF-style: chr2-228004927-C-G.
Other names: short protein forms G48R.
Identifiers: ClinVar variation 2500489 (VCV002500489.1), dbSNP rs2476902793, ClinGen allele CA350866463.
Genomic context (GRCh38, chr2:227,140,211, plus strand): 5'-CATCACTTACCCGAGACCCCTTTTCAGGAACACAGTGGCAAACAGAGCAATCTCTTCCTC[C>G]ACAAGGACCAATGTATTTCTTTCCACTCTGGAAAGTGAAGCATCTTATTTAGTATACCAG-3'
Protein context (NP_000083.3, residues 38-58): GSGKKYIGPC[Gly48Arg]GRDCSVCHCV